The following is an entry in ClinVar:

ClinVar aggregate classification (germline): Uncertain significance (1 of 4 stars; one submission).

Conditions:
Neurodevelopmental disorder with ataxic gait, absent speech, and decreased cortical white matter. Identifiers: MedGen C4540498, MONDO:0060624, OMIM 617807.

Submission:

Victorian Clinical Genetics Services, Murdoch Childrens Research Institute
Classification: Uncertain significance for Neurodevelopmental disorder with ataxic gait, absent speech, and decreased cortical white matter. Last evaluated: 2023-07-17. Review status: criteria provided, single submitter. Criteria: ACMG Guidelines, 2015. Collection method: clinical testing. Allele origin: germline. Inheritance: Autosomal dominant inheritance. Affected: yes.
Comment: Based on the classification scheme VCGS_Germline_v1.3.4, this variant is classified as VUS-3B. Following criteria are met: 0105 - The mechanism of disease for this gene is not clearly established (PMID: 29106825). (I) 0107 - This gene is associated with autosomal dominant disease. (I) 0200 - Variant is predicted to result in a missense amino acid change from valine to leucine. (I) 0251 - This variant is heterozygous. (I) 0301 - Variant is absent from gnomAD (both v2 and v3). (SP) 0503 - Missense variant consistently predicted to be tolerated by multiple in silico tools or not conserved in placental mammals with a minor amino acid change. (SB) 0604 - Variant is not located in an established domain, motif, hotspot or informative constraint region. (I) 0710 - Another missense variant comparable to the one identified in this case has inconclusive previous evidence for pathogenicity. p.(Val195Met) has been classified as a VUS by a clinical laboratory in ClinVar. (I) 0807 - This variant has no previous evidence of pathogenicity. (I) 0905 - No published segregation evidence has been identified for this variant. (I) 1007 - No published functional evidence has been identified for this variant. (I) 1208 - Inheritance information for this variant is not currently available in this individual. (I)

Literature cited by the submitters: PubMed 29106825.

NM_004218.4(RAB11B):c.583G>T (p.Val195Leu)

Gene: RAB11B (RAB11B, member RAS oncogene family; plus strand). Cytogenetic location: 19p13.2.
Variant type: single nucleotide variant.
Coding change: c.583G>T on transcript NM_004218.4 (MANE Select); coding-DNA position 583, G replaced by T.
Protein change: p.Val195Leu; replaces valine 195 with leucine.
Molecular consequence: missense variant.
Genome position (GRCh38, 1-based): chr19:8,403,484, G>T. VCF-style: chr19-8403484-G-T. GRCh37 (hg19) VCF-style: chr19-8468368-G-T.
Other names: short protein forms V195L.
Identifiers: ClinVar variation 3254881 (VCV003254881.1), dbSNP rs1971454639.